The following is an entry in ClinVar:

NM_178565.5(RSPO2):c.72C>G (p.Asn24Lys)

Genes: RSPO2 (R-spondin 2; minus strand), LOC124174315 (Sharpr-MPRA regulatory region 222; plus strand). Cytogenetic location: 8q23.1.
Variant type: single nucleotide variant.
Coding change: c.72C>G on transcript NM_178565.5 (MANE Select); coding-DNA position 72, C replaced by G.
Protein change: p.Asn24Lys; replaces asparagine 24 with lysine.
Molecular consequence: missense variant.
Genome position (GRCh38, 1-based): chr8:108,082,567, G>C on the plus strand (C>G on the coding strand, the complement: RSPO2 is on the minus strand). VCF-style: chr8-108082567-G-C. GRCh37 (hg19) VCF-style: chr8-109094795-G-C.
Other names: c.72C>G, p.Asn24Lys (NM_001282863.2); short protein forms N24K.
Identifiers: ClinVar variation 2155351 (VCV002155351.4), dbSNP rs541770055, ClinGen allele CA4841696.
Genomic context (GRCh38, chr8:108,082,567, plus strand): 5'-TGAAGCCCACCACGCACCTTTGGCAGAGAGGGACCCACCTCGCTTACTGCGTCTCCATCG[G>C]TTGCCTTGGCAGTGGCTGTAATCCATGCAGTTCAGAATGATGAGGGCAAAGGAGAAAAGG-3'
Protein context (NP_848660.3, residues 14-34): NCMDYSHCQG[Asn24Lys]RWRRSKRASY

ClinVar aggregate classification (germline): Uncertain significance (1 of 4 stars; one submission).

Allele frequency attached by ClinVar (database versions not stated): ExAC 0.00001; gnomAD 0.00001; TOPMed 0.00001; 1000 Genomes Project 30x 0.00016; 1000 Genomes Project 0.00020.
gnomAD v4.1: 59 of 1,614,122 alleles (0.0037%); highest among the groups gnomAD compares: East Asian, 0.011%; no homozygotes.

Submission:

Labcorp Genetics (formerly Invitae), Labcorp
Classification: Uncertain significance. Last evaluated: 2022-07-30. Review status: criteria provided, single submitter. Criteria: Invitae Variant Classification Sherloc (09022015). Collection method: clinical testing. Allele origin: germline.
Comment: This variant has not been reported in the literature in individuals affected with RSPO2-related conditions. This variant is present in population databases (rs541770055, gnomAD 0.02%). This sequence change replaces asparagine, which is neutral and polar, with lysine, which is basic and polar, at codon 24 of the RSPO2 protein (p.Asn24Lys). Algorithms developed to predict the effect of missense changes on protein structure and function are either unavailable or do not agree on the potential impact of this missense change (SIFT: "Deleterious"; PolyPhen-2: "Benign"; Align-GVGD: "Class C0"). In summary, the available evidence is currently insufficient to determine the role of this variant in disease. Therefore, it has been classified as a Variant of Uncertain Significance.